The following is an entry in ClinVar:

NM_002029.4(FPR1):c.976G>A (p.Glu326Lys)

Gene: FPR1 (formyl peptide receptor 1; minus strand). Cytogenetic location: 19q13.41.
Variant type: single nucleotide variant.
Coding change: c.976G>A on transcript NM_002029.4 (MANE Select); coding-DNA position 976, G replaced by A.
Protein change: p.Glu326Lys; replaces glutamic acid 326 with lysine.
Molecular consequence: missense variant.
Genome position (GRCh38, 1-based): chr19:51,746,019, C>T on the plus strand (G>A on the coding strand, the complement: FPR1 is on the minus strand). VCF-style: chr19-51746019-C-T. GRCh37 (hg19) VCF-style: chr19-52249272-C-T.
Other names: c.976G>A, p.Glu326Lys (NM_001193306.2); short protein forms E326K.
Identifiers: ClinVar variation 1009944 (VCV001009944.10), dbSNP rs551338523, ClinGen allele CA9616346.
Genomic context (GRCh38, chr19:51,746,019, plus strand): 5'-CCACCTCTGCAGAAGGTAAAGTAGAATTGGTAGCTGTGTCACTGGTTTGGGTTGAGTCCT[C>T]GGTCAGGGCCCTCTCCAGACTGGCGGGAAGGGCGTGGATCAGCCTCTCCCGGAAGTCCTG-3'
Protein context (NP_002020.1, residues 316-336): LPASLERALT[Glu326Lys]DSTQTSDTAT

ClinVar aggregate classification (germline): Uncertain significance (1 of 4 stars; one submission).

Conditions:
Gingival disorder. Also called: Gingival disease. Identifiers: MedGen C0017563, MONDO:0002021.

Allele frequency attached by ClinVar (database versions not stated): TOPMed below 0.00001; ExAC 0.00001; gnomAD 0.00001; gnomAD exomes 0.00001; 1000 Genomes Project 0.00020; 1000 Genomes Project 30x 0.00031.
gnomAD v4.1: 12 of 1,614,150 alleles (0.00074%); highest among the groups gnomAD compares: South Asian, 0.0044%; no homozygotes.

Submission:

Labcorp Genetics (formerly Invitae), Labcorp
Classification: Uncertain significance for Gingival disorder. Last evaluated: 2025-03-18. Review status: criteria provided, single submitter. Criteria: Invitae Variant Classification Sherloc (09022015). Collection method: clinical testing. Allele origin: germline.
Comment: This sequence change replaces glutamic acid, which is acidic and polar, with lysine, which is basic and polar, at codon 326 of the FPR1 protein (p.Glu326Lys). This variant is present in population databases (rs551338523, gnomAD 0.006%). This variant has not been reported in the literature in individuals affected with FPR1-related conditions. ClinVar contains an entry for this variant (Variation ID: 1009944). An algorithm developed to predict the effect of missense changes on protein structure and function (PolyPhen-2) suggests that this variant is likely to be disruptive. In summary, the available evidence is currently insufficient to determine the role of this variant in disease. Therefore, it has been classified as a Variant of Uncertain Significance.